The following is an entry in ClinVar:

ClinVar aggregate classification (germline): Uncertain significance. Review status: criteria provided, multiple submitters, no conflicts (2 of 4 stars). 2 submissions from 2 submitters: Uncertain significance (2). Last evaluated 2025-12-09.

Allele frequency attached by ClinVar (database versions not stated): ExAC 0.00001; TOPMed 0.00003.
gnomAD v4.1: 4 of 1,614,120 alleles (0.00025%); highest among the groups gnomAD compares: African/African-American, 0.004%; no homozygotes.

Submissions (2):

Ambry Genetics
Classification: Uncertain significance. Last evaluated: 2025-12-09. Review status: criteria provided, single submitter. Criteria: Ambry Variant Classification Scheme 2023. Collection method: clinical testing. Allele origin: germline.

Labcorp Genetics (formerly Invitae), Labcorp
Classification: Uncertain significance. Last evaluated: 2025-06-09. Review status: criteria provided, single submitter. Criteria: Invitae Variant Classification Sherloc (09022015). Collection method: clinical testing. Allele origin: germline.
Comment: This sequence change replaces aspartic acid, which is acidic and polar, with valine, which is neutral and non-polar, at codon 1229 of the NPAT protein (p.Asp1229Val). This variant is present in population databases (rs745647699, gnomAD 0.01%). This variant has not been reported in the literature in individuals affected with NPAT-related conditions. ClinVar contains an entry for this variant (Variation ID: 2496702). An algorithm developed to predict the effect of missense changes on protein structure and function (PolyPhen-2) suggests that this variant is likely to be disruptive. In summary, the available evidence is currently insufficient to determine the role of this variant in disease. Therefore, it has been classified as a Variant of Uncertain Significance.

NM_002519.3(NPAT):c.3686A>T (p.Asp1229Val)

Gene: NPAT (nuclear protein, coactivator of histone transcription; minus strand). Cytogenetic location: 11q22.3.
Variant type: single nucleotide variant.
Coding change: c.3686A>T on transcript NM_002519.3 (MANE Select); coding-DNA position 3686, A replaced by T.
Protein change: p.Asp1229Val; replaces aspartic acid 1229 with valine.
Molecular consequence: missense variant.
Genome position (GRCh38, 1-based): chr11:108,161,400, T>A on the plus strand (A>T on the coding strand, the complement: NPAT is on the minus strand). VCF-style: chr11-108161400-T-A. GRCh37 (hg19) VCF-style: chr11-108032127-T-A.
Other names: c.3707A>T, p.Asp1236Val (NM_001321307.1); short protein forms D1236V, D1229V.
Identifiers: ClinVar variation 2496702 (VCV002496702.4), dbSNP rs745647699, ClinGen allele CA6263537.